The following is an entry in ClinVar:

NM_004369.4(COL6A3):c.7055T>G (p.Val2352Gly)

Gene: COL6A3 (collagen type VI alpha 3 chain; minus strand). Cytogenetic location: 2q37.3.
Variant type: single nucleotide variant.
Coding change: c.7055T>G on transcript NM_004369.4 (MANE Select); coding-DNA position 7055, T replaced by G.
Protein change: p.Val2352Gly; replaces valine 2352 with glycine.
Molecular consequence: missense variant.
Genome position (GRCh38, 1-based): chr2:237,346,540, A>C on the plus strand (T>G on the coding strand, the complement: COL6A3 is on the minus strand). VCF-style: chr2-237346540-A-C. GRCh37 (hg19) VCF-style: chr2-238255183-A-C.
Other names: c.5234T>G, p.Val1745Gly (NM_057166.5); c.6437T>G, p.Val2146Gly (NM_057167.4); short protein forms V2146G, V1745G, V2352G.
Identifiers: ClinVar variation 935269 (VCV000935269.10), dbSNP rs1482724586, ClinGen allele CA351206469.
Genomic context (GRCh38, chr2:237,346,540, plus strand): 5'-GTCAGAACTGGATAAATACTTACAGCTGGTCCTGGGTAGCCAGGGTCTCCCTTCTGTCCA[A>C]CTATCCCTGGAGGTCCCGAATTTCCCTAGAGGGAGCAGAACAAACATTGTTCAACTGTGT-3'
Protein context (NP_004360.2, residues 2342-2362): RRGNSGPPGI[Val2352Gly]GQKGDPGYPG

ClinVar aggregate classification (germline): Uncertain significance (1 of 4 stars; one submission).

Conditions:
Bethlem myopathy 1A. Also called: Bethlem Muscular Dystrophy; MYOPATHY, BENIGN CONGENITAL, WITH CONTRACTURES; Bethlem myopathy 1. Identifiers: Orphanet 610, MedGen CN029274, MONDO:0024530, OMIM 158810.

Submission:

Labcorp Genetics (formerly Invitae), Labcorp
Classification: Uncertain significance for Bethlem myopathy 1A. Last evaluated: 2022-06-20. Review status: criteria provided, single submitter. Criteria: Invitae Variant Classification Sherloc (09022015). Collection method: clinical testing. Allele origin: germline.
Comment: This variant is not present in population databases (gnomAD no frequency). This sequence change replaces valine, which is neutral and non-polar, with glycine, which is neutral and non-polar, at codon 2352 of the COL6A3 protein (p.Val2352Gly). This variant has not been reported in the literature in individuals affected with COL6A3-related conditions. In summary, the available evidence is currently insufficient to determine the role of this variant in disease. Therefore, it has been classified as a Variant of Uncertain Significance. Advanced modeling of protein sequence and biophysical properties (such as structural, functional, and spatial information, amino acid conservation, physicochemical variation, residue mobility, and thermodynamic stability) performed at Invitae indicates that this missense variant is not expected to disrupt COL6A3 protein function. ClinVar contains an entry for this variant (Variation ID: 935269).